The following is an entry in ClinVar:

NM_004304.5(ALK):c.3604G>A (p.Gly1202Arg)

Gene: ALK (ALK receptor tyrosine kinase; minus strand). Cytogenetic location: 2p23.2.
Variant type: single nucleotide variant.
Coding change: c.3604G>A on transcript NM_004304.5 (MANE Select); coding-DNA position 3604, G replaced by A.
Protein change: p.Gly1202Arg; replaces glycine 1202 with arginine.
Molecular consequence: missense variant.
Genome position (GRCh38, 1-based): chr2:29,220,747, C>T on the plus strand (G>A on the coding strand, the complement: ALK is on the minus strand). VCF-style: chr2-29220747-C-T. GRCh37 (hg19) VCF-style: chr2-29443613-C-T.
Other names: c.400G>A, p.Gly134Arg (NM_001353765.2); c.3604G>A (NM_004304.4); short protein forms G1202R, G134R.
Identifiers: ClinVar variation 376134 (VCV000376134.6), dbSNP rs1057519783, ClinGen allele CA16602592.
Genomic context (GRCh38, chr2:29,220,747, plus strand): 5'-AAGACTGGTTCTCACTCACCGGGCGAGGGCGGGTCTCTCGGAGGAAGGACTTGAGGTCTC[C>T]CCCCGCCATGAGCTCCAGCAGGATGAACCGGGGCAGGGATTGCAGGCTCACCCCAATGCA-3'
Protein context (NP_004295.2, residues 1192-1212): RFILLELMAG[Gly1202Arg]DLKSFLRETR

ClinVar aggregate classification (germline): Uncertain significance. Review status: criteria provided, multiple submitters, no conflicts (2 of 4 stars). 4 submissions from 4 submitters: Uncertain significance (3). 1 of the submissions does not count toward it. Last evaluated 2025-08-19.

Conditions:
Lung cancer. Also called: Malignant tumor of lung; Lung cancer, somatic. Identifiers: MedGen C0242379, MONDO:0008903, OMIM 211980.
Hereditary cancer-predisposing syndrome. Also called: Hereditary neoplastic syndrome; Tumor predisposition; Neoplastic Syndromes, Hereditary; Hereditary Cancer Syndrome. Identifiers: Orphanet 140162, MedGen C0027672, MeSH D009386, MONDO:0015356.
Neuroblastoma, susceptibility to, 3. Also called: ALK-Related Neuroblastic Tumor Susceptibility. Identifiers: Orphanet 635, MedGen C2751681, MONDO:0013083, OMIM 613014.

Allele frequency attached by ClinVar (database versions not stated): gnomAD exomes below 0.00001.
gnomAD v4.1: 1 of 1,613,836 alleles (0.000062%); highest among the groups gnomAD compares: Non-Finnish European, 0.000085%; no homozygotes.

Submissions (4):

Ambry Genetics
Classification: Uncertain significance for Hereditary cancer-predisposing syndrome. Last evaluated: 2025-08-19. Review status: criteria provided, single submitter. Criteria: Ambry Variant Classification Scheme 2023. Collection method: clinical testing. Allele origin: germline.
Comment: The p.G1202R variant (also known as c.3604G>A), located in coding exon 23 of the ALK gene, results from a G to A substitution at nucleotide position 3604. The glycine at codon 1202 is replaced by arginine, an amino acid with dissimilar properties. This amino acid position is highly conserved in available vertebrate species. In addition, this alteration is predicted to be deleterious by in silico analysis. Based on the available evidence, the clinical significance of this variant remains unclear.

Labcorp Genetics (formerly Invitae), Labcorp
Classification: Uncertain significance for Neuroblastoma, susceptibility to, 3. Last evaluated: 2024-02-23. Review status: criteria provided, single submitter. Criteria: Invitae Variant Classification Sherloc (09022015). Collection method: clinical testing. Allele origin: germline.
Comment: This sequence change replaces glycine, which is neutral and non-polar, with arginine, which is basic and polar, at codon 1202 of the ALK protein (p.Gly1202Arg). This variant is not present in population databases (gnomAD no frequency). This variant has not been reported in the literature in individuals affected with ALK-related conditions. ClinVar contains an entry for this variant (Variation ID: 376134). An algorithm developed to predict the effect of missense changes on protein structure and function (PolyPhen-2) suggests that this variant is likely to be disruptive. Experimental studies have shown that this missense change affects ALK function (PMID: 22277784, 24887559, 26939704). In summary, the available evidence is currently insufficient to determine the role of this variant in disease. Therefore, it has been classified as a Variant of Uncertain Significance.

Baylor Genetics
Classification: Uncertain significance for Neuroblastoma, susceptibility to, 3. Last evaluated: 2023-12-19. Review status: criteria provided, single submitter. Criteria: ACMG Guidelines, 2015. Collection method: clinical testing. Allele origin: unknown.

Molekularpathologisches Zentrum, Universitaetsklinikum Heidelberg
Classification: Likely pathogenic for Lung cancer. Review status: no assertion criteria provided. Collection method: clinical testing. Allele origin: somatic. Inheritance: Somatic mutation. Affected: yes. Not counted in ClinVar's aggregate classification.

Literature cited by the submitters: PubMed 22277784 (cited by Labcorp Genetics (formerly Invitae), Labcorp); PubMed 24887559 (cited by Labcorp Genetics (formerly Invitae), Labcorp); PubMed 26939704 (cited by Labcorp Genetics (formerly Invitae), Labcorp).